The following is an entry in ClinVar:

ClinVar aggregate classification (germline): Uncertain significance (1 of 4 stars; one submission).

Conditions:
Inborn genetic diseases. Identifiers: MedGen C0950123, MeSH D030342.

gnomAD v4.1: 1 of 1,611,572 alleles (0.000062%); highest among the groups gnomAD compares: Admixed American, 0.0017%; no homozygotes.

Submission:

Ambry Genetics
Classification: Uncertain significance for Inborn genetic diseases. Last evaluated: 2024-03-24. Review status: criteria provided, single submitter. Criteria: Ambry Variant Classification Scheme 2023. Collection method: clinical testing. Allele origin: germline.
Comment: The p.E175D variant (also known as c.525G>C), located in coding exon 2 of the LTBP3 gene, results from a G to C substitution at nucleotide position 525. The glutamic acid at codon 175 is replaced by aspartic acid, an amino acid with highly similar properties. This amino acid position is conserved. In addition, this alteration is predicted to be tolerated by in silico analysis. Based on the available evidence, the clinical significance of this alteration remains unclear.

NM_001130144.3(LTBP3):c.525G>C (p.Glu175Asp)

Gene: LTBP3 (latent transforming growth factor beta binding protein 3; minus strand). Cytogenetic location: 11q13.1.
Variant type: single nucleotide variant.
Coding change: c.525G>C on transcript NM_001130144.3 (MANE Select); coding-DNA position 525, G replaced by C.
Protein change: p.Glu175Asp; replaces glutamic acid 175 with aspartic acid.
Molecular consequence: missense variant.
Genome position (GRCh38, 1-based): chr11:65,554,187, C>G on the plus strand (G>C on the coding strand, the complement: LTBP3 is on the minus strand). VCF-style: chr11-65554187-C-G. GRCh37 (hg19) VCF-style: chr11-65321658-C-G.
Other names: c.174G>C, p.Glu58Asp (NM_001164266.1); c.525G>C, p.Glu175Asp (NM_021070.4); short protein forms E175D, E58D.
Identifiers: ClinVar variation 3292238 (VCV003292238.1).